The following is an entry in ClinVar:

ClinVar aggregate classification (germline): Benign (1 of 4 stars; one submission).

Allele frequency attached by ClinVar (database versions not stated): 1000 Genomes Project 30x 0.56012; 1000 Genomes Project 0.56310; TOPMed 0.60587; gnomAD 0.62145 and 0.62687.
gnomAD v4.1: 95,148 of 151,556 alleles (63%); highest among the groups gnomAD compares: Non-Finnish European, 78%; 32,653 homozygotes.

Submission:

GeneDx
Classification: Benign. Last evaluated: 2018-06-14. Review status: criteria provided, single submitter. Criteria: GeneDx Variant Classification (06012015). Collection method: clinical testing. Allele origin: germline. Affected: yes.
Comment: This variant is considered likely benign or benign based on one or more of the following criteria: it is a conservative change, it occurs at a poorly conserved position in the protein, it is predicted to be benign by multiple in silico algorithms, and/or has population frequency not consistent with disease.

NM_206933.4(USH2A):c.11712-261C>A

Gene: USH2A (usherin; minus strand). Cytogenetic location: 1q41.
Variant type: single nucleotide variant.
Coding change: c.11712-261C>A on transcript NM_206933.4 (MANE Select); 261 bases into the intron before coding-DNA position 11712, C replaced by A.
Molecular consequence: intron variant.
Genome position (GRCh38, 1-based): chr1:215,728,645, G>T on the plus strand (C>A on the coding strand, the complement: USH2A is on the minus strand). VCF-style: chr1-215728645-G-T. GRCh37 (hg19) VCF-style: chr1-215901987-G-T.
Identifiers: ClinVar variation 667898 (VCV000667898.1), dbSNP rs10864191, ClinGen allele CA10913505.